The following is an entry in ClinVar:

NM_001163435.3(TBCK):c.1589G>A (p.Arg530His)

Gene: TBCK (TBC1 domain containing kinase; minus strand). Cytogenetic location: 4q24.
Variant type: single nucleotide variant.
Coding change: c.1589G>A on transcript NM_001163435.3 (MANE Select); coding-DNA position 1589, G replaced by A.
Protein change: p.Arg530His; replaces arginine 530 with histidine.
Molecular consequence: missense variant.
Genome position (GRCh38, 1-based): chr4:106,232,988, C>T on the plus strand (G>A on the coding strand, the complement: TBCK is on the minus strand). VCF-style: chr4-106232988-C-T. GRCh37 (hg19) VCF-style: chr4-107154145-C-T.
Other names: c.1589G>A, p.Arg530His (NM_001163436.4); c.1472G>A, p.Arg491His (NM_001163437.3); c.1073G>A, p.Arg358His (NM_001290768.2); c.1400G>A, p.Arg467His (NM_033115.5); c.1589G>A (NM_001163435.2); short protein forms R358H, R491H, R467H, R530H.
Identifiers: ClinVar variation 1446768 (VCV001446768.8), dbSNP rs200883569, ClinGen allele CA3035015.

ClinVar aggregate classification (germline): Uncertain significance. Review status: criteria provided, multiple submitters, no conflicts (2 of 4 stars). 2 submissions from 2 submitters: Uncertain significance (2). Last evaluated 2025-01-13.

Conditions:
TBCK-related disorder. Also called: TBCK-related condition; TBCK-related disorders.

Allele frequency attached by ClinVar (database versions not stated): gnomAD exomes 0.00003 and 0.00005; ExAC 0.00006; gnomAD 0.00006 and 0.00009; TOPMed 0.00008; 1000 Genomes Project 0.00040; 1000 Genomes Project 30x 0.00047.
gnomAD v4.1: 61 of 1,612,394 alleles (0.0038%); highest among the groups gnomAD compares: South Asian, 0.02%; no homozygotes.

Submissions (2):

PreventionGenetics, part of Exact Sciences
Classification: Uncertain significance for TBCK-related condition. Last evaluated: 2025-01-13. Review status: criteria provided, single submitter. Criteria: ACMG Guidelines, 2015. Collection method: clinical testing. Allele origin: germline.
Comment: The TBCK c.1589G>A variant is predicted to result in the amino acid substitution p.Arg530His. This variant was reported in the homozygous state in a fetus with ventriculomegaly, right renal agenesis, left renal duplication, ventricular septal defect, persistent left superior vena cava and small for gestational age (Table S8, Patient 217, Fu et al. 2022. PubMed ID: 36307859). This variant is reported in 0.020% of alleles in individuals of East Asian descent in gnomAD. At this time, the clinical significance of this variant is uncertain due to the absence of conclusive functional and genetic evidence.

Labcorp Genetics (formerly Invitae), Labcorp
Classification: Uncertain significance. Last evaluated: 2023-08-24. Review status: criteria provided, single submitter. Criteria: Invitae Variant Classification Sherloc (09022015). Collection method: clinical testing. Allele origin: germline.
Comment: Advanced modeling of protein sequence and biophysical properties (such as structural, functional, and spatial information, amino acid conservation, physicochemical variation, residue mobility, and thermodynamic stability) performed at Invitae indicates that this missense variant is expected to disrupt TBCK protein function. ClinVar contains an entry for this variant (Variation ID: 1446768). This variant has not been reported in the literature in individuals affected with TBCK-related conditions. This variant is present in population databases (rs200883569, gnomAD 0.02%). This sequence change replaces arginine, which is basic and polar, with histidine, which is basic and polar, at codon 530 of the TBCK protein (p.Arg530His). Algorithms developed to predict the effect of sequence changes on RNA splicing suggest that this variant may create or strengthen a splice site. In summary, the available evidence is currently insufficient to determine the role of this variant in disease. Therefore, it has been classified as a Variant of Uncertain Significance.